The following is an entry in ClinVar:

NM_000214.3(JAG1):c.2156C>A (p.Thr719Asn)

Gene: JAG1 (jagged canonical Notch ligand 1; minus strand). Cytogenetic location: 20p12.2.
Variant type: single nucleotide variant.
Coding change: c.2156C>A on transcript NM_000214.3 (MANE Select); coding-DNA position 2156, C replaced by A.
Protein change: p.Thr719Asn; replaces threonine 719 with asparagine.
Molecular consequence: missense variant.
Genome position (GRCh38, 1-based): chr20:10,645,214, G>T on the plus strand (C>A on the coding strand, the complement: JAG1 is on the minus strand). VCF-style: chr20-10645214-G-T. GRCh37 (hg19) VCF-style: chr20-10625862-G-T.
Other names: short protein forms T719N.
Identifiers: ClinVar variation 4991774 (VCV004991774.1).

ClinVar aggregate classification (germline): Uncertain significance (1 of 4 stars; one submission).

Conditions:
JAG1-related disorder. Also called: JAG1-related condition; JAG1-related disorders.

Submission:

PreventionGenetics, part of Exact Sciences
Classification: Uncertain significance for JAG1-related condition. Last evaluated: 2026-05-16. Review status: criteria provided, single submitter. Criteria: ACMG Guidelines, 2015. Collection method: clinical testing. Allele origin: germline.
Comment: The JAG1 c.2156C>A variant is predicted to result in the amino acid substitution p.Thr719Asn. To our knowledge, this variant has not been reported in the literature. This variant is reported in 0.0062% of alleles in individuals of African descent in gnomAD. At this time, the clinical significance of this variant is uncertain due to the absence of conclusive functional and genetic evidence.